The following is an entry in ClinVar:

NM_024079.5(ALG8):c.644G>A (p.Arg215Gln)

Gene: ALG8 (ALG8 alpha-1,3-glucosyltransferase; minus strand). Cytogenetic location: 11q14.1.
Variant type: single nucleotide variant.
Coding change: c.644G>A on transcript NM_024079.5 (MANE Select); coding-DNA position 644, G replaced by A.
Protein change: p.Arg215Gln; replaces arginine 215 with glutamine.
Molecular consequence: missense variant.
Genome position (GRCh38, 1-based): chr11:78,114,295, C>T on the plus strand (G>A on the coding strand, the complement: ALG8 is on the minus strand). VCF-style: chr11-78114295-C-T. GRCh37 (hg19) VCF-style: chr11-77825341-C-T.
Other names: c.644G>A (NM_024079.4); c.644G>A, p.Arg215Gln (NM_001007027.3); short protein forms R215Q.
Identifiers: ClinVar variation 2142991 (VCV002142991.5), dbSNP rs201602294, ClinGen allele CA6203398.

ClinVar aggregate classification (germline): Uncertain significance. Review status: criteria provided, multiple submitters, no conflicts (2 of 4 stars). 2 submissions from 2 submitters: Uncertain significance (2). Last evaluated 2024-12-21.

Conditions:
Inborn genetic diseases. Identifiers: MedGen C0950123, MeSH D030342.
ALG8 congenital disorder of glycosylation. Also called: CONGENITAL DISORDER OF GLYCOSYLATION, TYPE Ih; CDG Ih; ALG8-CDG. Identifiers: Orphanet 79325, MedGen C2931002, MONDO:0011969, OMIM 608104.

Allele frequency attached by ClinVar (database versions not stated): ESP Exome Variant Server 0.00008.
gnomAD v4.1: 11 of 1,613,910 alleles (0.00068%); highest among the groups gnomAD compares: Admixed American, 0.0067%; no homozygotes.

Submissions (2):

Ambry Genetics
Classification: Uncertain significance for Inborn genetic diseases. Last evaluated: 2024-12-21. Review status: criteria provided, single submitter. Criteria: Ambry Variant Classification Scheme 2023. Collection method: clinical testing. Allele origin: germline.

Labcorp Genetics (formerly Invitae), Labcorp
Classification: Uncertain significance for ALG8 congenital disorder of glycosylation. Last evaluated: 2024-11-19. Review status: criteria provided, single submitter. Criteria: Invitae Variant Classification Sherloc (09022015). Collection method: clinical testing. Allele origin: germline.
Comment: This sequence change replaces arginine, which is basic and polar, with glutamine, which is neutral and polar, at codon 215 of the ALG8 protein (p.Arg215Gln). This variant is present in population databases (rs201602294, gnomAD 0.01%). This variant has not been reported in the literature in individuals affected with ALG8-related conditions. ClinVar contains an entry for this variant (Variation ID: 2142991). Invitae Evidence Modeling of protein sequence and biophysical properties (such as structural, functional, and spatial information, amino acid conservation, physicochemical variation, residue mobility, and thermodynamic stability) indicates that this missense variant is not expected to disrupt ALG8 protein function with a negative predictive value of 80%. In summary, the available evidence is currently insufficient to determine the role of this variant in disease. Therefore, it has been classified as a Variant of Uncertain Significance.